The following is an entry in ClinVar:

NM_030665.4(RAI1):c.2594T>C (p.Leu865Pro)

Gene: RAI1 (retinoic acid induced 1; plus strand). Cytogenetic location: 17p11.2.
Variant type: single nucleotide variant.
Coding change: c.2594T>C on transcript NM_030665.4 (MANE Select); coding-DNA position 2594, T replaced by C.
Protein change: p.Leu865Pro; replaces leucine 865 with proline.
Molecular consequence: missense variant.
Genome position (GRCh38, 1-based): chr17:17,795,542, T>C. VCF-style: chr17-17795542-T-C. GRCh37 (hg19) VCF-style: chr17-17698856-T-C.
Other names: short protein forms L865P.
Identifiers: ClinVar variation 976208 (VCV000976208.10), dbSNP rs138173790, ClinGen allele CA288369943.

ClinVar aggregate classification (germline): Conflicting classifications of pathogenicity. Review status: criteria provided, conflicting classifications (1 of 4 stars). 3 submissions from 3 submitters: Uncertain significance (1); Likely benign (1). 1 of the submissions does not count toward it. Last evaluated 2024-10-03.

Conditions:
Smith-Magenis syndrome (SMS). Also called: CHROMOSOME 17p11.2 DELETION SYNDROME. Identifiers: Orphanet 819, MedGen C0795864, MONDO:0008434, OMIM 182290.
RAI1-related disorder. Also called: RAI1-related condition.

Allele frequency attached by ClinVar (database versions not stated): gnomAD exomes 0.00001 and 0.00003; TOPMed 0.00003; gnomAD 0.00005 and 0.00006; ESP Exome Variant Server 0.00008.
gnomAD v4.1: 26 of 1,604,796 alleles (0.0016%); highest among the groups gnomAD compares: Non-Finnish European, 0.0021%; no homozygotes.

Submissions (3):

Labcorp Genetics (formerly Invitae), Labcorp
Classification: Likely benign. Last evaluated: 2024-10-03. Review status: criteria provided, single submitter. Criteria: Invitae Variant Classification Sherloc (09022015). Collection method: clinical testing. Allele origin: germline.

Institute of Human Genetics, University of Leipzig Medical Center
Classification: Uncertain significance for Smith-Magenis syndrome. Last evaluated: 2017-08-07. Review status: criteria provided, single submitter. Criteria: ACMG Guidelines, 2015. Collection method: clinical testing. Allele origin: germline. Affected: yes. Observed: 1 variant allele.

PreventionGenetics, part of Exact Sciences
Classification: Uncertain significance for RAI1-related condition. Last evaluated: 2024-08-08. Review status: no assertion criteria provided. Collection method: clinical testing. Allele origin: germline. Not counted in ClinVar's aggregate classification.
Comment: The RAI1 c.2594T>C variant is predicted to result in the amino acid substitution p.Leu865Pro. To our knowledge, this variant has not been reported in the literature. This variant is reported in 0.0059% of alleles in individuals of European (Non-Finnish) descent in gnomAD which is likely too frequent for an unreported disease-causing variant. Although we suspect that this variant may be benign, at this time, the clinical significance of this variant is uncertain due to the absence of conclusive functional and genetic evidence.